The following is an entry in ClinVar:

NM_005591.4(MRE11):c.332A>G (p.Tyr111Cys)

Gene: MRE11 (MRE11 double strand break repair nuclease; minus strand). Cytogenetic location: 11q21.
Variant type: single nucleotide variant.
Coding change: c.332A>G on transcript NM_005591.4 (MANE Select); coding-DNA position 332, A replaced by G.
Protein change: p.Tyr111Cys; replaces tyrosine 111 with cysteine.
Molecular consequence: missense variant.
Genome position (GRCh38, 1-based): chr11:94,479,744, T>C on the plus strand (A>G on the coding strand, the complement: MRE11 is on the minus strand). VCF-style: chr11-94479744-T-C. GRCh37 (hg19) VCF-style: chr11-94212910-T-C.
Other names: c.332A>G, p.Tyr111Cys (NM_001330347.2, NM_005590.4); short protein forms Y111C.
Identifiers: ClinVar variation 958760 (VCV000958760.13), dbSNP rs374193648, ClinGen allele CA226537905.
Genomic context (GRCh38, chr11:94,479,744, plus strand): 5'-TCGTCATGATTGCCATGAATACTAAACACTGGAATTGAAATGTTGAGGTTGCCATCTTGA[T>C]AGTTCACCCATGGAAACCTTAAAAAAAAAAAGTTACTTAAAATTTCCATACGGGACAAAA-3'
Protein context (NP_005582.1, residues 101-121): FGFSKFPWVN[Tyr111Cys]QDGNLNISIP

ClinVar aggregate classification (germline): Uncertain significance. Review status: criteria provided, multiple submitters, no conflicts (2 of 4 stars). 2 submissions from 2 submitters: Uncertain significance (2). Last evaluated 2025-09-13.

Conditions:
Hereditary cancer-predisposing syndrome. Also called: Tumor predisposition; Hereditary neoplastic syndrome; Neoplastic Syndromes, Hereditary; Hereditary Cancer Syndrome. Identifiers: Orphanet 140162, MedGen C0027672, MeSH D009386, MONDO:0015356.
Ataxia-telangiectasia-like disorder (ATLD). Identifiers: MedGen C1858391, MONDO:0011457.

Allele frequency attached by ClinVar (database versions not stated): gnomAD exomes below 0.00001.
gnomAD v4.1: 1 of 1,612,552 alleles (0.000062%); highest among the groups gnomAD compares: Non-Finnish European, 0.000085%; no homozygotes.

Submissions (2):

Ambry Genetics
Classification: Uncertain significance for Hereditary cancer-predisposing syndrome. Last evaluated: 2025-09-13. Review status: criteria provided, single submitter. Criteria: Ambry Variant Classification Scheme 2023. Collection method: clinical testing. Allele origin: germline.
Comment: The p.Y111C variant (also known as c.332A>G), located in coding exon 4 of the MRE11A gene, results from an A to G substitution at nucleotide position 332. The tyrosine at codon 111 is replaced by cysteine, an amino acid with highly dissimilar properties. This amino acid position is conserved. In addition, this alteration is predicted to be deleterious by in silico analysis. Since supporting evidence is limited at this time, the clinical significance of this alteration remains unclear.

Labcorp Genetics (formerly Invitae), Labcorp
Classification: Uncertain significance for Ataxia-telangiectasia-like disorder. Last evaluated: 2019-08-24. Review status: criteria provided, single submitter. Criteria: Invitae Variant Classification Sherloc (09022015). Collection method: clinical testing. Allele origin: germline.
Comment: This variant is not present in population databases (ExAC no frequency). In summary, the available evidence is currently insufficient to determine the role of this variant in disease. Therefore, it has been classified as a Variant of Uncertain Significance. Algorithms developed to predict the effect of missense changes on protein structure and function (SIFT, PolyPhen-2, Align-GVGD) all suggest that this variant is likely to be disruptive, but these predictions have not been confirmed by published functional studies and their clinical significance is uncertain. This variant has not been reported in the literature in individuals with MRE11-related conditions. This sequence change replaces tyrosine with cysteine at codon 111 of the MRE11 protein (p.Tyr111Cys). The tyrosine residue is highly conserved and there is a large physicochemical difference between tyrosine and cysteine.